The following is an entry in ClinVar:

ClinVar aggregate classification (germline): Uncertain significance. Review status: criteria provided, multiple submitters, no conflicts (2 of 4 stars). 2 submissions from 2 submitters: Uncertain significance (2). Last evaluated 2025-04-04.

Conditions:
Inborn genetic diseases. Identifiers: MedGen C0950123, MeSH D030342.
Ectodermal dysplasia and immunodeficiency 2. Identifiers: Orphanet 238468, Orphanet 98813, MedGen C2677481, MONDO:0012806, OMIM 612132.

Allele frequency attached by ClinVar (database versions not stated): ExAC 0.00001; gnomAD 0.00002.
gnomAD v4.1: 12 of 1,613,748 alleles (0.00074%); highest among the groups gnomAD compares: Admixed American, 0.0033%; no homozygotes.

Submissions (2):

Ambry Genetics
Classification: Uncertain significance for Inborn genetic diseases. Last evaluated: 2025-04-04. Review status: criteria provided, single submitter. Criteria: Ambry Variant Classification Scheme 2023. Collection method: clinical testing. Allele origin: germline.

Labcorp Genetics (formerly Invitae), Labcorp
Classification: Uncertain significance for Ectodermal dysplasia and immunodeficiency 2. Last evaluated: 2023-07-09. Review status: criteria provided, single submitter. Criteria: Invitae Variant Classification Sherloc (09022015). Collection method: clinical testing. Allele origin: germline.
Comment: In summary, the available evidence is currently insufficient to determine the role of this variant in disease. Therefore, it has been classified as a Variant of Uncertain Significance. An algorithm developed to predict the effect of missense changes on protein structure and function (PolyPhen-2) suggests that this variant is likely to be tolerated. ClinVar contains an entry for this variant (Variation ID: 2415041). This variant has not been reported in the literature in individuals affected with NFKBIA-related conditions. This variant is present in population databases (rs751353414, gnomAD 0.006%). This sequence change replaces leucine, which is neutral and non-polar, with phenylalanine, which is neutral and non-polar, at codon 104 of the NFKBIA protein (p.Leu104Phe).

NM_020529.3(NFKBIA):c.310C>T (p.Leu104Phe)

Gene: NFKBIA (NFKB inhibitor alpha; minus strand). Cytogenetic location: 14q13.2.
Variant type: single nucleotide variant.
Coding change: c.310C>T on transcript NM_020529.3 (MANE Select); coding-DNA position 310, C replaced by T.
Protein change: p.Leu104Phe; replaces leucine 104 with phenylalanine.
Molecular consequence: missense variant.
Genome position (GRCh38, 1-based): chr14:35,403,716, G>A on the plus strand (C>T on the coding strand, the complement: NFKBIA is on the minus strand). VCF-style: chr14-35403716-G-A. GRCh37 (hg19) VCF-style: chr14-35872922-G-A.
Other names: short protein forms L104F.
Identifiers: ClinVar variation 2415041 (VCV002415041.9), dbSNP rs751353414, ClinGen allele CA7155527.
Genomic context (GRCh38, chr14:35,403,716, plus strand): 5'-GTCAGAGAGAACCCGGGCCAGGCAAGCGGCGCACCTGCTGCAGGTTGTTCTGGAAGTTGA[G>A]GAAGGCCAGGTCTCCCTTCACCTGGCGGATCACTTCCATGGTCAGTGCCTTTTCTTCATG-3'
Protein context (NP_065390.1, residues 94-114): IRQVKGDLAF[Leu104Phe]NFQNNLQQTP